The following is an entry in ClinVar:

NM_002334.4(LRP4):c.2770A>G (p.Met924Val)

Gene: LRP4 (LDL receptor related protein 4; minus strand). Cytogenetic location: 11p11.2.
Variant type: single nucleotide variant.
Coding change: c.2770A>G on transcript NM_002334.4 (MANE Select); coding-DNA position 2770, A replaced by G.
Protein change: p.Met924Val; replaces methionine 924 with valine.
Molecular consequence: missense variant.
Genome position (GRCh38, 1-based): chr11:46,881,746, T>C on the plus strand (A>G on the coding strand, the complement: LRP4 is on the minus strand). VCF-style: chr11-46881746-T-C. GRCh37 (hg19) VCF-style: chr11-46903297-T-C.
Other names: short protein forms M924V.
Identifiers: ClinVar variation 852265 (VCV000852265.9), dbSNP rs1247727700, ClinGen allele CA380278632.

ClinVar aggregate classification (germline): Uncertain significance (1 of 4 stars; one submission).

Conditions:
Cenani-Lenz syndactyly syndrome. Also called: CENANI SYNDACTYLISM; SYNDACTYLY, TYPE VII. Identifiers: Orphanet 3258, MedGen C1859309, MONDO:0008931, OMIM 212780.
Sclerosteosis 2 (SOST2). Identifiers: Orphanet 3152, MedGen C3280402, MONDO:0013679, OMIM 614305.
Congenital myasthenic syndrome 17. Identifiers: Orphanet 590, MedGen C4225377, MONDO:0014578, OMIM 616304.

Allele frequency attached by ClinVar (database versions not stated): gnomAD exomes below 0.00001.
gnomAD v4.1: 5 of 1,614,016 alleles (0.00031%); highest among the groups gnomAD compares: Non-Finnish European, 0.00042%; no homozygotes.

Submission:

Labcorp Genetics (formerly Invitae), Labcorp
Classification: Uncertain significance for Cenani-Lenz syndactyly syndrome; Sclerosteosis 2; Congenital myasthenic syndrome 17. Last evaluated: 2019-05-03. Review status: criteria provided, single submitter. Criteria: Invitae Variant Classification Sherloc (09022015). Collection method: clinical testing. Allele origin: germline.
Comment: In summary, the available evidence is currently insufficient to determine the role of this variant in disease. Therefore, it has been classified as a Variant of Uncertain Significance. Algorithms developed to predict the effect of missense changes on protein structure and function are either unavailable or do not agree on the potential impact of this missense change (SIFT: "Deleterious"; PolyPhen-2: "Benign"; Align-GVGD: "Class C15"). This variant has not been reported in the literature in individuals with LRP4-related conditions. This variant is not present in population databases (ExAC no frequency). This sequence change replaces methionine with valine at codon 924 of the LRP4 protein (p.Met924Val). The methionine residue is highly conserved and there is a small physicochemical difference between methionine and valine.